The following is an entry in ClinVar:

NM_182920.2(ADAMTS9):c.3525G>C (p.Arg1175Ser)

Gene: ADAMTS9 (ADAM metallopeptidase with thrombospondin type 1 motif 9; minus strand). Cytogenetic location: 3p14.1.
Variant type: single nucleotide variant.
Coding change: c.3525G>C on transcript NM_182920.2 (MANE Select); coding-DNA position 3525, G replaced by C.
Protein change: p.Arg1175Ser; replaces arginine 1175 with serine.
Molecular consequence: missense variant.
Genome position (GRCh38, 1-based): chr3:64,604,281, C>G on the plus strand (G>C on the coding strand, the complement: ADAMTS9 is on the minus strand). VCF-style: chr3-64604281-C-G. GRCh37 (hg19) VCF-style: chr3-64589957-C-G.
Other names: c.3441G>C, p.Arg1147Ser (NM_001318781.2); c.3525G>C (NM_182920.1); short protein forms R1147S, R1175S.
Identifiers: ClinVar variation 1879584 (VCV001879584.30), dbSNP rs371429186, ClinGen allele CA2480804.

ClinVar aggregate classification (germline): Uncertain significance. Review status: criteria provided, multiple submitters, no conflicts (2 of 4 stars). 2 submissions from 2 submitters: Uncertain significance (2). Last evaluated 2024-05-08.

Allele frequency attached by ClinVar (database versions not stated): ExAC 0.00002; gnomAD 0.00005; TOPMed 0.00006; ESP Exome Variant Server 0.00008.
gnomAD v4.1: 103 of 1,613,342 alleles (0.0064%); highest among the groups gnomAD compares: Non-Finnish European, 0.0083%; no homozygotes.

Submissions (2):

Ambry Genetics
Classification: Uncertain significance. Last evaluated: 2024-05-08. Review status: criteria provided, single submitter. Criteria: Ambry Variant Classification Scheme 2023. Collection method: clinical testing. Allele origin: germline.

CeGaT Center for Human Genetics Tuebingen
Classification: Uncertain significance. Last evaluated: 2022-12-01. Review status: criteria provided, single submitter. Criteria: CeGaT Center For Human Genetics Tuebingen Variant Classification Criteria Version 2. Collection method: clinical testing. Allele origin: germline. Affected: yes. Observed: 1 variant allele.
Comment: ADAMTS9: PM2, BP4